The following is an entry in ClinVar:

ClinVar aggregate classification (germline): Uncertain significance. Review status: criteria provided, single submitter (1 of 4 stars). 2 submissions from 2 submitters: Uncertain significance (1). 1 of the submissions does not count toward it. Last evaluated 2024-05-14.

Conditions:
BRCA2-related cancer predisposition. Identifiers: MedGen CN377758, MONDO:0700269.
Breast-ovarian cancer, familial, susceptibility to, 2 (BROVCA2). Also called: BRCA2 Hereditary Breast and Ovarian Cancer. Identifiers: Orphanet 145, MedGen C2675520, MONDO:0012933, OMIM 612555. Disease mechanism: loss of function.

Submissions (2):

All of Us Research Program, National Institutes of Health
Classification: Uncertain significance for BRCA2-related cancer predisposition. Last evaluated: 2024-05-14. Review status: criteria provided, single submitter. Criteria: ACMG Guidelines, 2015. Collection method: clinical testing. Allele origin: germline. Inheritance: Autosomal dominant inheritance. Observed: 1 variant allele, 1 heterozygote.
Comment: This missense variant replaces proline with alanine at codon 3129 of the BRCA2 protein. Computational prediction is inconclusive regarding the impact of this variant on protein structure and function. Functional studies have shown this variant does not impact homology-directed DNA repair (PMID: 37731132), cell viability, or drug sensitivity in BRCA2-deficient cells (PMID: 37922907). This variant has been reported in a multifactorial analysis with co-occurrence and family history likelihood ratios for pathogenicity of 1.0246 and 0.7136, respectively (PMID: 31131967). This variant has not been identified in the general population by the Genome Aggregation Database (gnomAD). The available evidence is insufficient to determine the role of this variant in disease conclusively. Therefore, this variant is classified as a Variant of Uncertain Significance.

This study involves interpretation of variants in research participants for the purpose of population health screening. Participant phenotype was not available at the time of variant classification. Additional details can be found in publication PMID: 35346344, PMCID: PMC8962531

Breast Cancer Information Core (BIC) (BRCA2)
Classification: Uncertain significance for Breast-ovarian cancer, familial 2. Review status: no assertion criteria provided. Collection method: clinical testing. Allele origin: germline. Affected: yes. Observed: 1 variant allele. Not counted in ClinVar's aggregate classification.

Literature cited by the submitters: PubMed 31131967 (cited by All of Us Research Program, National Institutes of Health); PubMed 37731132 (cited by All of Us Research Program, National Institutes of Health); PubMed 37922907 (cited by All of Us Research Program, National Institutes of Health).

NM_000059.4(BRCA2):c.9385C>G (p.Pro3129Ala)

Gene: BRCA2 (BRCA2 DNA repair associated; plus strand). Cytogenetic location: 13q13.1.
Variant type: single nucleotide variant.
Coding change: c.9385C>G on transcript NM_000059.4 (MANE Select); coding-DNA position 9385, C replaced by G.
Protein change: p.Pro3129Ala; replaces proline 3129 with alanine.
Molecular consequence: missense variant.
Genome position (GRCh38, 1-based): chr13:32,394,817, C>G. VCF-style: chr13-32394817-C-G. GRCh37 (hg19) VCF-style: chr13-32968954-C-G.
Other names: short protein forms P3129A.
Identifiers: ClinVar variation 52827 (VCV000052827.3), dbSNP rs80359213, ClinGen allele CA026130.